The following is an entry in ClinVar:

ClinVar aggregate classification (germline): Uncertain significance. Review status: criteria provided, multiple submitters, no conflicts (2 of 4 stars). 3 submissions from 3 submitters: Uncertain significance (3). Last evaluated 2025-06-25.

Conditions:
Cardiovascular phenotype. Identifiers: MedGen CN230736.
Hereditary cancer-predisposing syndrome. Also called: Hereditary neoplastic syndrome; Neoplastic Syndromes, Hereditary; Tumor predisposition; Hereditary Cancer Syndrome. Identifiers: Orphanet 140162, MedGen C0027672, MeSH D009386, MONDO:0015356.

gnomAD v4.1: 2 of 1,612,968 alleles (0.00012%); highest among the groups gnomAD compares: East Asian, 0.0045%; no homozygotes.

Submissions (3):

Ambry Genetics
Classification: Uncertain significance for Cardiovascular phenotype; Hereditary cancer-predisposing syndrome. Last evaluated: 2025-06-25. Review status: criteria provided, single submitter. Criteria: Ambry Variant Classification Scheme 2023. Collection method: clinical testing. Allele origin: germline.
Comment: The c.2196C>A variant (also known as p.V732V), located in coding exon 18 of the LZTR1 gene, results from a C to A substitution at nucleotide position 2196. This nucleotide substitution does not change the valine at codon 732. This nucleotide position is not well conserved in available vertebrate species. In silico splice site analysis predicts that this alteration will result in the creation or strengthening of a novel splice donor site. Based on the available evidence, the clinical significance of this variant remains unclear.

Labcorp Genetics (formerly Invitae), Labcorp
Classification: Uncertain significance. Last evaluated: 2024-05-22. Review status: criteria provided, single submitter. Criteria: Invitae Variant Classification Sherloc (09022015). Collection method: clinical testing. Allele origin: germline.
Comment: This sequence change affects codon 732 of the LZTR1 mRNA. It is a 'silent' change, meaning that it does not change the encoded amino acid sequence of the LZTR1 protein. This variant is not present in population databases (gnomAD no frequency). This variant has not been reported in the literature in individuals affected with LZTR1-related conditions. Algorithms developed to predict the effect of sequence changes on RNA splicing suggest that this variant may disrupt the consensus splice site. In summary, the available evidence is currently insufficient to determine the role of this variant in disease. Therefore, it has been classified as a Variant of Uncertain Significance.

Blueprint Genetics
Classification: Uncertain significance. Last evaluated: 2022-10-05. Review status: criteria provided, single submitter. Criteria: ACMG Guidelines, 2015. Collection method: clinical testing. Allele origin: germline.

NM_006767.4(LZTR1):c.2196C>A (p.Val732=)

Gene: LZTR1 (leucine zipper like post translational regulator 1; plus strand). Cytogenetic location: 22q11.21.
Variant type: single nucleotide variant.
Coding change: c.2196C>A on transcript NM_006767.4 (MANE Select); coding-DNA position 2196, C replaced by A.
Protein change: p.Val732=; no amino-acid change (valine 732 retained).
Molecular consequence: synonymous variant.
Genome position (GRCh38, 1-based): chr22:20,996,089, C>A. VCF-style: chr22-20996089-C-A. GRCh37 (hg19) VCF-style: chr22-21350378-C-A.
Other names: c.2196C>A (NM_006767.3).
Identifiers: ClinVar variation 3703144 (VCV003703144.4).